The following is an entry in ClinVar:

ClinVar aggregate classification (germline): Uncertain significance (1 of 4 stars; one submission).

gnomAD v4.1: 2 of 1,209,876 alleles (0.00017%); highest among the groups gnomAD compares: Non-Finnish European, 0.00022%; no homozygotes.

Submission:

CeGaT Center for Human Genetics Tuebingen
Classification: Uncertain significance. Last evaluated: 2025-06-01. Review status: criteria provided, single submitter. Criteria: CeGaT Center For Human Genetics Tuebingen Variant Classification Criteria Version 2. Collection method: clinical testing. Allele origin: germline. Affected: yes. Observed: 1 variant allele.
Comment: F8: PM2, PM5, PS4:Supporting

NM_000132.4(F8):c.655G>A (p.Ala219Thr)

Gene: F8 (coagulation factor VIII; minus strand). Cytogenetic location: Xq28.
Variant type: single nucleotide variant.
Coding change: c.655G>A on transcript NM_000132.4 (MANE Select); coding-DNA position 655, G replaced by A.
Protein change: p.Ala219Thr; replaces alanine 219 with threonine.
Molecular consequence: missense variant.
Genome position (GRCh38, 1-based): chrX:154,987,252, C>T on the plus strand (G>A on the coding strand, the complement: F8 is on the minus strand). VCF-style: chrX-154987252-C-T. GRCh37 (hg19) VCF-style: chrX-154215527-C-T.
Other names: short protein forms A219T.
Identifiers: ClinVar variation 3905633 (VCV003905633.10).